The following is an entry in ClinVar:

ClinVar aggregate classification (germline): Uncertain significance (1 of 4 stars; one submission).

Submission:

Labcorp Genetics (formerly Invitae), Labcorp
Classification: Uncertain significance. Last evaluated: 2020-06-18. Review status: criteria provided, single submitter. Criteria: Invitae Variant Classification Sherloc (09022015). Collection method: clinical testing. Allele origin: germline.
Comment: In summary, the available evidence is currently insufficient to determine the role of this variant in disease. Therefore, it has been classified as a Variant of Uncertain Significance. Algorithms developed to predict the effect of missense changes on protein structure and function are either unavailable or do not agree on the potential impact of this missense change (SIFT: "Deleterious"; PolyPhen-2: "Probably Damaging"; Align-GVGD: "Class C0"). This variant has not been reported in the literature in individuals with SCN3A-related conditions. This variant is not present in population databases (ExAC no frequency). This sequence change replaces arginine with tryptophan at codon 1877 of the SCN3A protein (p.Arg1877Trp). The arginine residue is moderately conserved and there is a moderate physicochemical difference between arginine and tryptophan.

NM_006922.4(SCN3A):c.5629A>T (p.Arg1877Trp)

Gene: SCN3A (sodium voltage-gated channel alpha subunit 3; minus strand). Cytogenetic location: 2q24.3.
Variant type: single nucleotide variant.
Coding change: c.5629A>T on transcript NM_006922.4 (MANE Select); coding-DNA position 5629, A replaced by T.
Protein change: p.Arg1877Trp; replaces arginine 1877 with tryptophan.
Molecular consequence: missense variant.
Genome position (GRCh38, 1-based): chr2:165,090,524, T>A on the plus strand (A>T on the coding strand, the complement: SCN3A is on the minus strand). VCF-style: chr2-165090524-T-A. GRCh37 (hg19) VCF-style: chr2-165947034-T-A.
Other names: c.5482A>T, p.Arg1828Trp (NM_001081676.2, NM_001081677.2); short protein forms R1828W, R1877W.
Identifiers: ClinVar variation 1005604 (VCV001005604.8), dbSNP rs1685039057, ClinGen allele CA349010757.